The following is an entry in ClinVar:

ClinVar aggregate classification (germline): Uncertain significance. Review status: criteria provided, multiple submitters, no conflicts (2 of 4 stars). 2 submissions from 2 submitters: Uncertain significance (2). Last evaluated 2023-03-31.

Conditions:
Gastrointestinal stromal tumor. Also called: Gastrointestinal stroma tumor; Gastrointestinal stromal tumor, somatic. Identifiers: Orphanet 44890, MedGen C0238198, MeSH D046152, MONDO:0011719, OMIM 606764, HP:0100723.
Hereditary cancer-predisposing syndrome. Also called: Tumor predisposition; Hereditary Cancer Syndrome; Hereditary neoplastic syndrome; Neoplastic Syndromes, Hereditary. Identifiers: Orphanet 140162, MedGen C0027672, MeSH D009386, MONDO:0015356.

Submissions (2):

Ambry Genetics
Classification: Uncertain significance for Hereditary cancer-predisposing syndrome. Last evaluated: 2023-03-31. Review status: criteria provided, single submitter. Criteria: Ambry Variant Classification Scheme 2023. Collection method: clinical testing. Allele origin: germline.
Comment: The p.F355I variant (also known as c.1063T>A), located in coding exon 6 of the KIT gene, results from a T to A substitution at nucleotide position 1063. The phenylalanine at codon 355 is replaced by isoleucine, an amino acid with highly similar properties. This amino acid position is conserved. In addition, this alteration is predicted to be tolerated by in silico analysis. Since supporting evidence is limited at this time, the clinical significance of this alteration remains unclear.

Labcorp Genetics (formerly Invitae), Labcorp
Classification: Uncertain significance for Gastrointestinal stromal tumor. Last evaluated: 2021-11-11. Review status: criteria provided, single submitter. Criteria: Invitae Variant Classification Sherloc (09022015). Collection method: clinical testing. Allele origin: germline.
Comment: Algorithms developed to predict the effect of missense changes on protein structure and function (SIFT, PolyPhen-2, Align-GVGD) all suggest that this variant is likely to be tolerated. In summary, the available evidence is currently insufficient to determine the role of this variant in disease. Therefore, it has been classified as a Variant of Uncertain Significance. This variant has not been reported in the literature in individuals affected with KIT-related conditions. This variant is not present in population databases (gnomAD no frequency). This sequence change replaces phenylalanine, which is neutral and non-polar, with isoleucine, which is neutral and non-polar, at codon 355 of the KIT protein (p.Phe355Ile).

NM_000222.3(KIT):c.1063T>A (p.Phe355Ile)

Gene: KIT (KIT proto-oncogene, receptor tyrosine kinase; plus strand). Cytogenetic location: 4q12.
Variant type: single nucleotide variant.
Coding change: c.1063T>A on transcript NM_000222.3 (MANE Select); coding-DNA position 1063, T replaced by A.
Protein change: p.Phe355Ile; replaces phenylalanine 355 with isoleucine.
Molecular consequence: missense variant.
Genome position (GRCh38, 1-based): chr4:54,707,235, T>A. VCF-style: chr4-54707235-T-A. GRCh37 (hg19) VCF-style: chr4-55573401-T-A.
Other names: c.1063T>A, p.Phe355Ile (NM_001093772.2, NM_001385285.1, NM_001385286.1); c.1066T>A, p.Phe356Ile (NM_001385284.1, NM_001385288.1, NM_001385290.1 and 1 more transcripts); c.1063T>A (NM_000222.2); short protein forms F356I, F355I.
Identifiers: ClinVar variation 1373119 (VCV001373119.8), dbSNP rs2109705650, ClinGen allele CA356901080.